The following is an entry in ClinVar:

ClinVar aggregate classification (germline): Uncertain significance (1 of 4 stars; one submission).

Conditions:
Cardiovascular phenotype. Identifiers: MedGen CN230736.

Submission:

Ambry Genetics
Classification: Uncertain significance for Cardiovascular phenotype. Last evaluated: 2019-04-18. Review status: criteria provided, single submitter. Criteria: Ambry Variant Classification Scheme 2023. Collection method: clinical testing. Allele origin: germline.
Comment: The p.E1386K variant (also known as c.4156G>A), located in coding exon 6 of the ALPK3 gene, results from a G to A substitution at nucleotide position 4156. The glutamic acid at codon 1386 is replaced by lysine, an amino acid with similar properties. This amino acid position is well conserved in available vertebrate species; however, lysine is the reference amino acid in other vertebrate species. In addition, this alteration is predicted to be tolerated by in silico analysis. Since supporting evidence is limited at this time, the clinical significance of this alteration remains unclear.

NM_020778.5(ALPK3):c.3550G>A (p.Glu1184Lys)

Gene: ALPK3 (alpha kinase 3; plus strand). Cytogenetic location: 15q25.3.
Variant type: single nucleotide variant.
Coding change: c.3550G>A on transcript NM_020778.5 (MANE Select); coding-DNA position 3550, G replaced by A.
Protein change: p.Glu1184Lys; replaces glutamic acid 1184 with lysine.
Molecular consequence: missense variant.
Genome position (GRCh38, 1-based): chr15:84,858,288, G>A. VCF-style: chr15-84858288-G-A. GRCh37 (hg19) VCF-style: chr15-85401519-G-A.
Other names: short protein forms E1184K.
Identifiers: ClinVar variation 1738295 (VCV001738295.2), dbSNP rs2505722257, ClinGen allele CA393360488.
Genomic context (GRCh38, chr15:84,858,288, plus strand): 5'-CGGAGGAAGAGATTTCTCCCTAAGGTCAGAGCAGCAGGAGACGGGGAGGCAACCACACCT[G>A]AAGAAAGGGAGAGCCCCACGGTTTCCCCCCGGGGGCCCAGGAAAAGCCTGGTGCCTGGGT-3'
Protein context (NP_065829.4, residues 1174-1194): AAGDGEATTP[Glu1184Lys]ERESPTVSPR